The following is an entry in ClinVar:

ClinVar aggregate classification (germline): Uncertain significance (1 of 4 stars; one submission).

Conditions:
Emery-Dreifuss muscular dystrophy 4, autosomal dominant (EDMD4). Also called: EMERY-DREIFUSS MUSCULAR DYSTROPHY 4 WITH VARIABLE FEATURES. Identifiers: Orphanet 261, MedGen C2751807, MONDO:0013071, OMIM 612998.
Autosomal recessive ataxia, Beauce type. Also called: SYNE1-Related Autosomal Recessive Cerebellar Ataxia; Spinocerebellar ataxia, autosomal recessive 8; ATAXIA, RECESSIVE, OF BEAUCE; SYNE1 Deficiency. Identifiers: Orphanet 88644, MedGen C1853116, MONDO:0012549, OMIM 610743.

gnomAD v4.1: 1 of 1,613,864 alleles (0.000062%); highest among the groups gnomAD compares: Non-Finnish European, 0.000085%; no homozygotes.

Submission:

Labcorp Genetics (formerly Invitae), Labcorp
Classification: Uncertain significance for Emery-Dreifuss muscular dystrophy 4, autosomal dominant; Autosomal recessive ataxia, Beauce type. Last evaluated: 2017-05-24. Review status: criteria provided, single submitter. Criteria: Invitae Variant Classification Sherloc (09022015). Collection method: clinical testing. Allele origin: germline.
Comment: In summary, this variant has uncertain impact on SYNE1 function. The available evidence is currently insufficient to determine its role in disease. Therefore, it has been classified as a Variant of Uncertain Significance. Algorithms developed to predict the effect of missense changes on protein structure and function do not agree on the potential impact of this missense change (SIFT: "Deleterious"; PolyPhen-2: "Possibly Damaging"; Align-GVGD: "Class C0"). This variant has not been reported in the literature in individuals with a SYNE1-related disease. This variant is not present in population databases (ExAC no frequency). This sequence change replaces leucine with phenylalanine at codon 8253 of the SYNE1 protein (p.Leu8253Phe). The leucine residue is highly conserved and there is a small physicochemical difference between leucine and phenylalanine.

NM_182961.4(SYNE1):c.24972A>C (p.Leu8324Phe)

Gene: SYNE1 (spectrin repeat containing nuclear envelope protein 1; minus strand). Cytogenetic location: 6q25.2.
Variant type: single nucleotide variant.
Coding change: c.24972A>C on transcript NM_182961.4 (MANE Select); coding-DNA position 24972, A replaced by C.
Protein change: p.Leu8324Phe; replaces leucine 8324 with phenylalanine.
Molecular consequence: missense variant.
Genome position (GRCh38, 1-based): chr6:152,148,049, T>G on the plus strand (A>C on the coding strand, the complement: SYNE1 is on the minus strand). VCF-style: chr6-152148049-T-G. GRCh37 (hg19) VCF-style: chr6-152469184-T-G.
Other names: c.1578A>C, p.Leu526Phe (NM_001347701.2); c.1437A>C, p.Leu479Phe (NM_001347702.2); c.24759A>C, p.Leu8253Phe (NM_033071.5); short protein forms L8324F, L8253F, L526F, L479F.
Identifiers: ClinVar variation 471037 (VCV000471037.8), dbSNP rs1554420700, ClinGen allele CA366084731.